The following is an entry in ClinVar:

ClinVar aggregate classification (germline): Uncertain significance (1 of 4 stars; one submission).

Conditions:
Familial melanoma. Also called: Hereditary melanoma; Hereditary cutaneous melanoma. Identifiers: Orphanet 618, MedGen C1512419, MONDO:0018961.

gnomAD v4.1: 1 of 1,614,090 alleles (0.000062%); highest among the groups gnomAD compares: East Asian, 0.0022%; no homozygotes.

Submission:

Labcorp Genetics (formerly Invitae), Labcorp
Classification: Uncertain significance for Familial melanoma. Last evaluated: 2024-09-06. Review status: criteria provided, single submitter. Criteria: Invitae Variant Classification Sherloc (09022015). Collection method: clinical testing. Allele origin: germline.
Comment: This sequence change replaces proline, which is neutral and non-polar, with alanine, which is neutral and non-polar, at codon 194 of the CDK4 protein (p.Pro194Ala). This variant is not present in population databases (gnomAD no frequency). This variant has not been reported in the literature in individuals affected with CDK4-related conditions. Invitae Evidence Modeling of protein sequence and biophysical properties (such as structural, functional, and spatial information, amino acid conservation, physicochemical variation, residue mobility, and thermodynamic stability) indicates that this missense variant is not expected to disrupt CDK4 protein function with a negative predictive value of 95%. In summary, the available evidence is currently insufficient to determine the role of this variant in disease. Therefore, it has been classified as a Variant of Uncertain Significance.

NM_000075.4(CDK4):c.580C>G (p.Pro194Ala)

Gene: CDK4 (cyclin dependent kinase 4; minus strand). Cytogenetic location: 12q14.1.
Variant type: single nucleotide variant.
Coding change: c.580C>G on transcript NM_000075.4 (MANE Select); coding-DNA position 580, C replaced by G.
Protein change: p.Pro194Ala; replaces proline 194 with alanine.
Molecular consequence: missense variant.
Genome position (GRCh38, 1-based): chr12:57,750,708, G>C on the plus strand (C>G on the coding strand, the complement: CDK4 is on the minus strand). VCF-style: chr12-57750708-G-C. GRCh37 (hg19) VCF-style: chr12-58144491-G-C.
Other names: short protein forms P194A.
Identifiers: ClinVar variation 3637626 (VCV003637626.2).